The following is an entry in ClinVar:

ClinVar aggregate classification (germline): Pathogenic. Review status: criteria provided, single submitter (1 of 4 stars). 2 submissions from 2 submitters: Pathogenic (1). 1 of the submissions does not count toward it. Last evaluated 2018-04-16.

Conditions:
Oocyte maturation defect 4. Also called: OOCYTE/ZYGOTE/EMBRYO MATURATION ARREST 4. Identifiers: MedGen C4540284, MONDO:0021575, OMIM 617743.

Submissions (2):

SIB Swiss Institute of Bioinformatics
Classification: Pathogenic for Oocyte maturation defect 4. Last evaluated: 2018-04-16. Review status: criteria provided, single submitter. Criteria: ACMG Guidelines, 2015. Collection method: curation. Allele origin: germline.
Comment: This variant is interpreted as a Pathogenic, for Oocyte maturation defect 4, Autosomal Recessive inheritance. The following ACMG Tag(s) were applied: PM2 => Absent from controls (or at extremely low frequency if recessive) in Exome Sequencing Project, 1000 Genomes Project, or Exome Aggregation Consortium. PVS1-Strong => PVS1 downgraded in strength to Strong. PP1 => Cosegregation with disease in multiple affected family members in a gene definitively known to cause the disease. PS3 => Well-established functional studies show a deleterious effect (PMID:28965849).

OMIM
Classification: Pathogenic for OOCYTE/ZYGOTE/EMBRYO MATURATION ARREST 4. Last evaluated: 2023-04-10. Review status: no assertion criteria provided. Collection method: literature only. Allele origin: germline. Not counted in ClinVar's aggregate classification.

Literature cited by the submitters: PubMed 28965849 (cited by SIB Swiss Institute of Bioinformatics and OMIM).

NM_001387263.1(PATL2):c.558T>A (p.Tyr186Ter)

Gene: PATL2 (PAT1 homolog 2; minus strand). Cytogenetic location: 15q21.1.
Variant type: single nucleotide variant.
Coding change: c.558T>A on transcript NM_001387263.1 (MANE Select); coding-DNA position 558, T replaced by A.
Protein change: p.Tyr186Ter; replaces tyrosine 186 with a stop codon.
Molecular consequence: nonsense. On other transcripts: 5 prime UTR variant (1), intron variant (2).
Genome position (GRCh38, 1-based): chr15:44,672,114, A>T on the plus strand (T>A on the coding strand, the complement: PATL2 is on the minus strand). VCF-style: chr15-44672114-A-T. GRCh37 (hg19) VCF-style: chr15-44964312-A-T.
Other names: NM_001145112.1:c.558T>A(p.Tyr186Ter); c.558T>A, p.Tyr186Ter (NM_001145112.2, NM_001387261.1, NM_001387262.1); c.-10T>A (NM_001330283.2); c.564+77T>A (NM_001387260.1, NM_001387264.1); short protein forms Y186*.
Identifiers: ClinVar variation 444048 (VCV000444048.2), dbSNP rs752734259, ClinGen allele CA392225636.
Genomic context (GRCh38, chr15:44,672,114, plus strand): 5'-CAGCTGCACCATCTGCACTTTTATCACCCAGTCCTTCTCTTTTCTGGTCATGAGGTTAGC[A>T]TAGGGGTCTGGCTGCTGAGACCAAGGCTTCTTGGCTGGGGGACTTTAAGCCAGGAGGAAC-3'